The following is an entry in ClinVar:

ClinVar aggregate classification (germline): Benign/Likely benign. Review status: criteria provided, multiple submitters, no conflicts (2 of 4 stars). 5 submissions from 5 submitters: Benign (2); Likely benign (3). Last evaluated 2025-05-13.

Conditions:
Hereditary cancer-predisposing syndrome. Also called: Neoplastic Syndromes, Hereditary; Hereditary neoplastic syndrome; Tumor predisposition; Hereditary Cancer Syndrome. Identifiers: Orphanet 140162, MedGen C0027672, MeSH D009386, MONDO:0015356.
Tuberous sclerosis 2 (TSC2). Identifiers: Orphanet 805, MedGen C1860707, MONDO:0013199, OMIM 613254.

Allele frequency attached by ClinVar (database versions not stated): TOPMed below 0.00001.

Submissions (5):

Myriad Genetics, Inc.
Classification: Benign for Tuberous sclerosis 2. Last evaluated: 2025-05-13. Review status: criteria provided, single submitter. Criteria: Myriad Autosomal Dominant, Autosomal Recessive and X-Linked Classification Criteria (2023). Collection method: clinical testing. Allele origin: unknown.
Comment: This variant is considered benign. This variant is a silent/synonymous amino acid change and it is not expected to impact splicing.

Labcorp Genetics (formerly Invitae), Labcorp
Classification: Likely benign for Tuberous sclerosis 2. Last evaluated: 2024-09-01. Review status: criteria provided, single submitter. Criteria: Invitae Variant Classification Sherloc (09022015). Collection method: clinical testing. Allele origin: germline.

Ambry Genetics
Classification: Likely benign for Hereditary cancer-predisposing syndrome. Last evaluated: 2022-02-21. Review status: criteria provided, single submitter. Criteria: Ambry Variant Classification Scheme 2023. Collection method: clinical testing. Allele origin: germline.

Genome-Nilou Lab
Classification: Benign for Tuberous sclerosis 2. Last evaluated: 2021-11-07. Review status: criteria provided, single submitter. Criteria: ACMG Guidelines, 2015. Collection method: clinical testing. Allele origin: germline. Affected: no.

GeneDx
Classification: Likely benign. Last evaluated: 2016-12-06. Review status: criteria provided, single submitter. Criteria: GeneDx Variant Classification (06012015). Collection method: clinical testing. Allele origin: germline. Affected: yes.
Comment: This variant is considered likely benign or benign based on one or more of the following criteria: it is a conservative change, it occurs at a poorly conserved position in the protein, it is predicted to be benign by multiple in silico algorithms, and/or has population frequency not consistent with disease.

NM_000548.5(TSC2):c.1083G>A (p.Leu361=)

Gene: TSC2 (TSC complex subunit 2; plus strand). Cytogenetic location: 16p13.3.
Variant type: single nucleotide variant.
Coding change: c.1083G>A on transcript NM_000548.5 (MANE Select); coding-DNA position 1083, G replaced by A.
Protein change: p.Leu361=; no amino-acid change (leucine 361 retained).
Molecular consequence: synonymous variant.
Genome position (GRCh38, 1-based): chr16:2,060,777, G>A. VCF-style: chr16-2060777-G-A. GRCh37 (hg19) VCF-style: chr16-2110778-G-A.
Other names: c.1083G>A, p.Leu361= (NM_001370404.1, NM_001370405.1, NM_021055.3 and 3 more transcripts); c.972G>A, p.Leu324= (NM_001318827.2); c.936G>A, p.Leu312= (NM_001318829.2); c.483G>A, p.Leu161= (NM_001318831.2); c.1116G>A, p.Leu372= (NM_001318832.2).
Identifiers: ClinVar variation 391560 (VCV000391560.14), dbSNP rs1057524138, ClinGen allele CA16607139.